The following is an entry in ClinVar:

ClinVar aggregate classification (germline): Pathogenic. Review status: criteria provided, multiple submitters, no conflicts (2 of 4 stars). 2 submissions from 2 submitters: Pathogenic (2). Last evaluated 2021-11-29.

Submissions (2):

GeneDx
Classification: Pathogenic. Last evaluated: 2021-11-29. Review status: criteria provided, single submitter. Criteria: GeneDx Variant Classification Process June 2021. Collection method: clinical testing. Allele origin: germline. Affected: yes.
Comment: Nonsense variant predicted to result in protein truncation or nonsense mediated decay in a gene for which loss-of-function is a known mechanism of disease; Not observed at significant frequency in large population cohorts (gnomAD); Has not been previously published as pathogenic or benign to our knowledge; This variant is associated with the following publications: (PMID: 23354436)

Seattle Children's Hospital Molecular Genetics Laboratory, Seattle Children's Hospital
Classification: Pathogenic. Last evaluated: 2021-06-22. Review status: criteria provided, single submitter. Criteria: ACMG Guidelines, 2015. Collection method: clinical testing. Allele origin: germline. Affected: yes.
Comment: The c.722C>A pathogenic variant is located in exon 10 of 21 of the TCF12 gene and introduces a premature stop codon. It is predicted to cause a loss of protein function. The variant is absent from large population studies (Genome Aggregation Database v2.1.1). This specific nucleotide change has not been reported in the literature or patient databases; however, other TCF12 nonsense and frameshift variants at this amino acid position and across the protein have been reported as pathogenic in individuals with craniosynostosis (PMID: 23354436, PMID: 29215649, ClinVar Variation ID: 55913).

NM_207037.2(TCF12):c.722C>A (p.Ser241Ter)

Gene: TCF12 (transcription factor 12; plus strand). Cytogenetic location: 15q21.3.
Variant type: single nucleotide variant.
Coding change: c.722C>A on transcript NM_207037.2 (MANE Select); coding-DNA position 722, C replaced by A.
Protein change: p.Ser241Ter; replaces serine 241 with a stop codon.
Molecular consequence: nonsense. On other transcripts: intron variant (1).
Genome position (GRCh38, 1-based): chr15:57,232,327, C>A. VCF-style: chr15-57232327-C-A. GRCh37 (hg19) VCF-style: chr15-57524525-C-A.
Other names: c.212C>A, p.Ser71Ter (NM_001306219.3, NM_207040.2); c.722C>A, p.Ser241Ter (NM_001322151.2, NM_001322152.2, NM_001322157.3 and 7 more transcripts); c.65C>A, p.Ser22Ter (NM_001322154.2); c.548C>A, p.Ser183Ter (NM_001322156.2, NM_001322158.2); c.758C>A, p.Ser253Ter (NM_001322164.2); c.118-385C>A (NM_001306220.3); short protein forms S183*, S22*, S241*, S253*, S71*.
Identifiers: ClinVar variation 1691163 (VCV001691163.2), dbSNP rs398122381, ClinGen allele CA392592059.
Genomic context (GRCh38, chr15:57,232,327, plus strand): 5'-TTTATATTTCTCTTTTTGTCTTAGATGGGACCCACAATTCTTCTGACCTTTGGAGTTCAT[C>A]AAATGGGATGAGCCAGCCTGGTTTTGGTGGAATTCTGGGGACCTCCACTTCCCACATGTC-3'